The following is an entry in ClinVar:

NM_002303.6(LEPR):c.1817T>C (p.Val606Ala)

Gene: LEPR (leptin receptor; plus strand). Cytogenetic location: 1p31.3.
Variant type: single nucleotide variant.
Coding change: c.1817T>C on transcript NM_002303.6 (MANE Select); coding-DNA position 1817, T replaced by C.
Protein change: p.Val606Ala; replaces valine 606 with alanine.
Molecular consequence: missense variant.
Genome position (GRCh38, 1-based): chr1:65,610,011, T>C. VCF-style: chr1-65610011-T-C. GRCh37 (hg19) VCF-style: chr1-66075694-T-C.
Other names: c.1817T>C, p.Val606Ala (NM_001003679.3, NM_001003680.3, NM_001198687.2 and 2 more transcripts); short protein forms V606A.
Identifiers: ClinVar variation 4989088 (VCV004989088.1).
Genomic context (GRCh38, chr1:65,610,011, plus strand): 5'-ATGAGGTTTATGATGCAAAATCAAAATCTGTCAGTCTCCCAGTTCCAGACTTGTGTGCAG[T>C]CTATGCTGTTCAGGTGCGCTGTAAGAGGCTAGATGGACTGGGATATTGGAGTAATTGGAG-3'
Protein context (NP_002294.2, residues 596-616): VSLPVPDLCA[Val606Ala]YAVQVRCKRL

ClinVar aggregate classification (germline): Uncertain significance (1 of 4 stars; one submission).

Conditions:
LEPR-related disorder. Also called: LEPR-related disorders; LEPR-related condition.

gnomAD v4.1: 4 of 1,614,078 alleles (0.00025%); highest among the groups gnomAD compares: Non-Finnish European, 0.00034%; no homozygotes.

Submission:

PreventionGenetics, part of Exact Sciences
Classification: Uncertain significance for LEPR-related condition. Last evaluated: 2026-02-05. Review status: criteria provided, single submitter. Criteria: ACMG Guidelines, 2015. Collection method: clinical testing. Allele origin: germline.
Comment: The LEPR c.1817T>C variant is predicted to result in the amino acid substitution p.Val606Ala. This variant was observed in a cohort of individuals with obesity, and in vitro functional studies showed inconclusive evidence of loss of function (Supplemental Data Set, Shah et al. 2023. PubMed ID: 36864747). This variant is reported in 0.0018% of alleles in individuals of European (Non-Finnish) descent in gnomAD. At this time, the clinical significance of this variant is uncertain due to the absence of conclusive functional and genetic evidence.